The following is an entry in ClinVar:

ClinVar aggregate classification (germline): Likely benign. Review status: criteria provided, multiple submitters, no conflicts (2 of 4 stars). 3 submissions from 3 submitters: Likely benign (3). Last evaluated 2026-01-02.

Conditions:
Kabuki syndrome 2 (KABUK2). Also called: KDM6A-Related Kabuki Syndrome. Identifiers: Orphanet 2322, MedGen C3275495, MONDO:0010465, OMIM 300867.
Intellectual disability. Also called: intellectual disabilities; Intellectual functioning disability; Intellectual developmental disorder. Identifiers: MedGen C3714756, MeSH D008607, MONDO:0001071, HP:0001249.

Allele frequency attached by ClinVar (database versions not stated): TOPMed 0.00006; gnomAD exomes 0.00007 and 0.00015; ExAC 0.00009; gnomAD 0.00012 and 0.00013.
gnomAD v4.1: 182 of 1,204,695 alleles (0.015%); highest among the groups gnomAD compares: Non-Finnish European, 0.019%; no homozygotes.

Submissions (3):

Labcorp Genetics (formerly Invitae), Labcorp
Classification: Likely benign for Kabuki syndrome 2. Last evaluated: 2026-01-02. Review status: criteria provided, single submitter. Criteria: Invitae Variant Classification Sherloc (09022015). Collection method: clinical testing. Allele origin: germline.

CeGaT Center for Human Genetics Tuebingen
Classification: Likely benign. Last evaluated: 2025-08-01. Review status: criteria provided, single submitter. Criteria: CeGaT Center For Human Genetics Tuebingen Variant Classification Criteria Version 2. Collection method: clinical testing. Allele origin: germline. Affected: yes. Observed: 1 variant allele.
Comment: KDM6A: BS2

Cambridge Genomics Laboratory, East Genomic Laboratory Hub, NHS Genomic Medicine Service
Classification: Likely benign for Intellectual disability. Last evaluated: 2019-04-17. Review status: criteria provided, single submitter. Criteria: ACGS Best Practice Guidelines for Variant Classification in Rare Disease 2020. Collection method: clinical testing. Allele origin: germline. Affected: yes. Observed: 1 variant allele.

NM_001291415.2(KDM6A):c.2024A>C (p.Asn675Thr)

Gene: KDM6A (lysine demethylase 6A; plus strand). Cytogenetic location: Xp11.3.
Variant type: single nucleotide variant.
Coding change: c.2024A>C on transcript NM_001291415.2 (MANE Select); coding-DNA position 2024, A replaced by C.
Protein change: p.Asn675Thr; replaces asparagine 675 with threonine.
Molecular consequence: missense variant. On other transcripts: non-coding transcript variant (1).
Genome position (GRCh38, 1-based): chrX:45,063,762, A>C. VCF-style: chrX-45063762-A-C. GRCh37 (hg19) VCF-style: chrX-44923007-A-C.
Other names: c.1631A>C, p.Asn544Thr (NM_001291418.2); c.980A>C, p.Asn327Thr (NM_001291421.2); c.1868A>C, p.Asn623Thr (NM_021140.4); c.1889A>C, p.Asn630Thr (NM_001291416.2); c.1733A>C, p.Asn578Thr (NM_001291417.2); short protein forms N327T, N544T, N578T, N623T, N630T, N675T.
Identifiers: ClinVar variation 1553294 (VCV001553294.17), dbSNP rs760145252, ClinGen allele CA10392448.